The following is an entry in ClinVar:

ClinVar aggregate classification (germline): Uncertain significance (1 of 4 stars; one submission).

Conditions:
Beckwith-Wiedemann syndrome (BWS). Also called: EMG SYNDROME; Exomphalos macroglossia gigantism syndrome. Identifiers: Orphanet 116, MedGen C0004903, MONDO:0007534, OMIM 130650.

Submission:

Labcorp Genetics (formerly Invitae), Labcorp
Classification: Uncertain significance for Beckwith-Wiedemann syndrome. Last evaluated: 2022-11-28. Review status: criteria provided, single submitter. Criteria: Invitae Variant Classification Sherloc (09022015). Collection method: clinical testing. Allele origin: germline.
Comment: This variant is not present in population databases (gnomAD no frequency). This sequence change replaces proline, which is neutral and non-polar, with alanine, which is neutral and non-polar, at codon 270 of the CDKN1C protein (p.Pro270Ala). In summary, the available evidence is currently insufficient to determine the role of this variant in disease. Therefore, it has been classified as a Variant of Uncertain Significance. Advanced modeling of protein sequence and biophysical properties (such as structural, functional, and spatial information, amino acid conservation, physicochemical variation, residue mobility, and thermodynamic stability) performed at Invitae indicates that this missense variant is not expected to disrupt CDKN1C protein function. This variant has not been reported in the literature in individuals affected with CDKN1C-related conditions.

NM_001122630.2(CDKN1C):c.775C>G (p.Pro259Ala)

Gene: CDKN1C (cyclin dependent kinase inhibitor 1C; minus strand). Cytogenetic location: 11p15.4.
Variant type: single nucleotide variant.
Coding change: c.775C>G on transcript NM_001122630.2 (MANE Select); coding-DNA position 775, C replaced by G.
Protein change: p.Pro259Ala; replaces proline 259 with alanine.
Molecular consequence: missense variant. On other transcripts: intron variant (1).
Genome position (GRCh38, 1-based): chr11:2,884,682, G>C on the plus strand (C>G on the coding strand, the complement: CDKN1C is on the minus strand). VCF-style: chr11-2884682-G-C. GRCh37 (hg19) VCF-style: chr11-2905912-G-C.
Other names: c.808C>G, p.Pro270Ala (NM_000076.2, NM_001362474.2); c.775C>G, p.Pro259Ala (NM_001122631.2); c.255+520C>G (NM_001362475.2); short protein forms P259A, P270A.
Identifiers: ClinVar variation 2813230 (VCV002813230.3), dbSNP rs1416211722, ClinGen allele CA379145537.